The following is an entry in ClinVar:

NM_000537.4(REN):c.127C>T (p.Arg43Ter)

Gene: REN (renin; minus strand). Cytogenetic location: 1q32.1.
Variant type: single nucleotide variant.
Coding change: c.127C>T on transcript NM_000537.4 (MANE Select); coding-DNA position 127, C replaced by T.
Protein change: p.Arg43Ter; replaces arginine 43 with a stop codon.
Molecular consequence: nonsense.
Genome position (GRCh38, 1-based): chr1:204,162,135, G>A on the plus strand (C>T on the coding strand, the complement: REN is on the minus strand). VCF-style: chr1-204162135-G-A. GRCh37 (hg19) VCF-style: chr1-204131263-G-A.
Other names: c.127C>T (NM_000537.3); short protein forms R43*.
Identifiers: ClinVar variation 50210 (VCV000050210.3), dbSNP rs397514690, ClinGen allele CA143703.

ClinVar aggregate classification (germline): Pathogenic. Review status: criteria provided, multiple submitters, no conflicts (2 of 4 stars). 3 submissions from 3 submitters: Pathogenic (2). 1 of the submissions does not count toward it. Last evaluated 2025-12-22.

Conditions:
Renal tubular dysgenesis of genetic origin. Also called: PRIMITIVE RENAL TUBULE SYNDROME. Identifiers: Orphanet 97369, MedGen C5681536, MONDO:0009970, OMIM 267430.
Familial juvenile hyperuricemic nephropathy type 2 (ADTKD4). Also called: EARLY-ONSET HYPERURICEMIA, ANEMIA, AND PROGRESSIVE KIDNEY FAILURE; Autosomal Dominant Tubulointerstitial Kidney Disease – REN. Identifiers: Orphanet 217330, MedGen C2751310, MONDO:0013128, OMIM 613092.
REN-related disorder. Also called: REN-related condition.
Renal tubular dysgenesis. Also called: Renotubular dysgenesis. Identifiers: Orphanet 3033, MedGen C0266313, MONDO:0017609, HP:0008660.

Allele frequency attached by ClinVar (database versions not stated): gnomAD exomes 0.00001; TOPMed 0.00001; gnomAD 0.00003.
gnomAD v4.1: 26 of 1,613,992 alleles (0.0016%); highest among the groups gnomAD compares: African/African-American, 0.004%; no homozygotes.

Submissions (3):

PreventionGenetics, part of Exact Sciences
Classification: Pathogenic for REN-related condition. Last evaluated: 2025-12-22. Review status: criteria provided, single submitter. Criteria: ACMG Guidelines, 2015. Collection method: clinical testing. Allele origin: germline.
Comment: The REN c.127C>T variant is predicted to result in premature protein termination (p.Arg43*). This variant has been reported in the homozygous state in two individuals with renal tubular dysgenesis or congenital acute renal failure (Gribouval et al. 2012. PubMed ID: 22095942; Wilson et al. 2020. PubMed ID: 35372954). This variant is reported in 0.0026% of alleles in individuals of European (Non-Finnish) descent in gnomAD. Nonsense variants in REN are expected to be pathogenic. This variant is interpreted as pathogenic for autosomal recessive disease.

Fulgent Genetics
Classification: Pathogenic for Renal tubular dysgenesis of genetic origin; Familial juvenile hyperuricemic nephropathy type 2. Last evaluated: 2022-04-05. Review status: criteria provided, single submitter. Criteria: ACMG Guidelines, 2015. Collection method: clinical testing. Allele origin: unknown.

OMIM
Classification: Pathogenic for RENAL TUBULAR DYSGENESIS. Last evaluated: 2012-02-01. Review status: no assertion criteria provided. Collection method: literature only. Allele origin: germline. Not counted in ClinVar's aggregate classification.

Literature cited by the submitters: PubMed 22095942 (cited by OMIM).